The following is an entry in ClinVar:

ClinVar aggregate classification (germline): Uncertain significance (1 of 4 stars; one submission).

gnomAD v4.1: 29 of 1,613,920 alleles (0.0018%); highest among the groups gnomAD compares: Middle Eastern, 0.016%; no homozygotes.

Submission:

GeneDx
Classification: Uncertain significance. Last evaluated: 2026-01-22. Review status: criteria provided, single submitter. Criteria: GeneDx Variant Classification Process June 2021. Collection method: clinical testing. Allele origin: germline.
Comment: In silico analysis supports that this missense variant has a deleterious effect on protein structure/function; Has not been previously published as pathogenic or benign to our knowledge

NM_001372.4(DNAH9):c.9214G>A (p.Gly3072Arg)

Gene: DNAH9 (dynein axonemal heavy chain 9; plus strand). Cytogenetic location: 17p12.
Variant type: single nucleotide variant.
Coding change: c.9214G>A on transcript NM_001372.4 (MANE Select); coding-DNA position 9214, G replaced by A.
Protein change: p.Gly3072Arg; replaces glycine 3072 with arginine.
Molecular consequence: missense variant.
Genome position (GRCh38, 1-based): chr17:11,823,002, G>A. VCF-style: chr17-11823002-G-A. GRCh37 (hg19) VCF-style: chr17-11726319-G-A.
Other names: short protein forms G3072R.
Identifiers: ClinVar variation 4975437 (VCV004975437.1).